The following is an entry in ClinVar:

NM_005476.7(GNE):c.724T>A (p.Ser242Thr)

Gene: GNE (glucosamine (UDP-N-acetyl)-2-epimerase/N-acetylmannosamine kinase; minus strand). Cytogenetic location: 9p13.3.
Variant type: single nucleotide variant.
Coding change: c.724T>A on transcript NM_005476.7 (MANE Select); coding-DNA position 724, T replaced by A.
Protein change: p.Ser242Thr; replaces serine 242 with threonine.
Molecular consequence: missense variant. On other transcripts: intron variant (2).
Genome position (GRCh38, 1-based): chr9:36,236,877, A>T on the plus strand (T>A on the coding strand, the complement: GNE is on the minus strand). VCF-style: chr9-36236877-A-T. GRCh37 (hg19) VCF-style: chr9-36236874-A-T.
Other names: c.817T>A, p.Ser273Thr (NM_001128227.3); c.724T>A, p.Ser242Thr (NM_001190383.3); c.547T>A, p.Ser183Thr (NM_001190388.2, NM_001374798.1); c.440-2745T>A (NM_001190384.3); c.617-2745T>A (NM_001374797.1); short protein forms S183T, S242T, S273T.
Identifiers: ClinVar variation 2577719 (VCV002577719.2), dbSNP rs774970723, ClinGen allele CA5056673.

ClinVar aggregate classification (germline): Uncertain significance. Review status: criteria provided, multiple submitters, no conflicts (2 of 4 stars). 2 submissions from 2 submitters: Uncertain significance (2). Last evaluated 2024-02-06.

Conditions:
Inborn genetic diseases. Identifiers: MedGen C0950123, MeSH D030342.

Allele frequency attached by ClinVar (database versions not stated): gnomAD exomes below 0.00001; gnomAD 0.00001; TOPMed 0.00002; ExAC 0.00004.
gnomAD v4.1: 7 of 1,613,490 alleles (0.00043%); highest among the groups gnomAD compares: East Asian, 0.016%; no homozygotes.

Submissions (2):

Ambry Genetics
Classification: Uncertain significance for Inborn genetic diseases. Last evaluated: 2024-02-06. Review status: criteria provided, single submitter. Criteria: Ambry Variant Classification Scheme 2023. Collection method: clinical testing. Allele origin: germline.

GeneDx
Classification: Uncertain significance. Last evaluated: 2023-02-22. Review status: criteria provided, single submitter. Criteria: GeneDx Variant Classification Process June 2021. Collection method: clinical testing. Allele origin: germline. Affected: yes.
Comment: Missense variants in this gene are often considered pathogenic (HGMD); In silico analysis supports that this missense variant does not alter protein structure/function; Has not been previously published as pathogenic or benign to our knowledge; This variant is associated with the following publications: (PMID: 24796702)